The following is an entry in ClinVar:

NM_021067.5(GINS1):c.191T>G (p.Phe64Cys)

Gene: GINS1 (GINS complex subunit 1; plus strand). Cytogenetic location: 20p11.21.
Variant type: single nucleotide variant.
Coding change: c.191T>G on transcript NM_021067.5 (MANE Select); coding-DNA position 191, T replaced by G.
Protein change: p.Phe64Cys; replaces phenylalanine 64 with cysteine.
Molecular consequence: missense variant. On other transcripts: non-coding transcript variant (1), intron variant (1).
Genome position (GRCh38, 1-based): chr20:25,417,154, T>G. VCF-style: chr20-25417154-T-G. GRCh37 (hg19) VCF-style: chr20-25397790-T-G.
Other names: c.191T>G, p.Phe64Cys (NM_001410830.1); c.76-8057T>G (NM_001410831.1); short protein forms F64C.
Identifiers: ClinVar variation 3724126 (VCV003724126.2).
Genomic context (GRCh38, chr20:25,417,154, plus strand): 5'-CTCCTATCAGGAATGAAGCAAAGTCAGGTGGACGAAGTGATTTGATACCAACTATCAAAT[T>G]TCGACACTGTTCTCTGTTAAGAAATCGACGCTGCACTGTAGCATACCTGTAAGCTTCTCA-3'
Protein context (NP_066545.3, residues 54-74): GRSDLIPTIK[Phe64Cys]RHCSLLRNRR

ClinVar aggregate classification (germline): Uncertain significance (1 of 4 stars; one submission).

Submission:

Labcorp Genetics (formerly Invitae), Labcorp
Classification: Uncertain significance. Last evaluated: 2024-10-30. Review status: criteria provided, single submitter. Criteria: Invitae Variant Classification Sherloc (09022015). Collection method: clinical testing. Allele origin: germline.
Comment: This sequence change replaces phenylalanine, which is neutral and non-polar, with cysteine, which is neutral and slightly polar, at codon 64 of the GINS1 protein (p.Phe64Cys). This variant is not present in population databases (gnomAD no frequency). This variant has not been reported in the literature in individuals affected with GINS1-related conditions. An algorithm developed to predict the effect of missense changes on protein structure and function (PolyPhen-2) suggests that this variant is likely to be disruptive. In summary, the available evidence is currently insufficient to determine the role of this variant in disease. Therefore, it has been classified as a Variant of Uncertain Significance.